The following is an entry in ClinVar:

NM_004186.5(SEMA3F):c.2348C>T (p.Pro783Leu)

Gene: SEMA3F (semaphorin 3F; plus strand). Cytogenetic location: 3p21.31.
Variant type: single nucleotide variant.
Coding change: c.2348C>T on transcript NM_004186.5 (MANE Select); coding-DNA position 2348, C replaced by T.
Protein change: p.Pro783Leu; replaces proline 783 with leucine.
Molecular consequence: missense variant.
Genome position (GRCh38, 1-based): chr3:50,188,105, C>T. VCF-style: chr3-50188105-C-T. GRCh37 (hg19) VCF-style: chr3-50225538-C-T.
Other names: c.2051C>T, p.Pro684Leu (NM_001318798.2); c.2255C>T, p.Pro752Leu (NM_001318800.2); short protein forms P684L, P752L, P783L.
Identifiers: ClinVar variation 3358386 (VCV003358386.1).
Genomic context (GRCh38, chr3:50,188,105, plus strand): 5'-CACCCCGGTCTCCTGAGCCCCAGGACCAGAAAAAGCCCCGGAACCGCCGGCACCACCCTC[C>T]GGACACATGAGGCCAGCTGCCTGTGCCTGCCATGGGCCAGCCTAGCCCTTGTCCCTTTTA-3'
Protein context (NP_004177.3, residues 773-785): KKPRNRRHHP[Pro783Leu]DT

ClinVar aggregate classification (germline): Uncertain significance (0 of 4 stars; one submission).

Conditions:
SEMA3F-related disorder. Also called: SEMA3F-related condition.

gnomAD v4.1: 33 of 1,519,620 alleles (0.0022%); highest among the groups gnomAD compares: South Asian, 0.014%; no homozygotes.

Submission:

PreventionGenetics, part of Exact Sciences
Classification: Uncertain significance for SEMA3F-related condition. Last evaluated: 2024-03-23. Review status: no assertion criteria provided. Collection method: clinical testing. Allele origin: germline.
Comment: The SEMA3F c.2348C>T variant is predicted to result in the amino acid substitution p.Pro783Leu. To our knowledge, this variant has not been reported in the literature. This variant is reported in 0.015% of alleles in individuals of East Asian descent in gnomAD. At this time, the clinical significance of this variant is uncertain due to the absence of conclusive functional and genetic evidence.